The following is an entry in ClinVar:

ClinVar aggregate classification (germline): Pathogenic (1 of 4 stars; one submission).

Conditions:
Coffin-Lowry syndrome (CLS). Also called: Mental retardation with osteocartilaginous abnormalities; COFFIN-LOWRY SYNDROME, MILD. Identifiers: Orphanet 192, MedGen C0265252, MONDO:0010561, OMIM 303600.
Intellectual developmental disorder, X-linked 19. Also called: Intellectual disability, X-linked 19. Identifiers: Orphanet 777, MedGen C0796225, MONDO:0010447, OMIM 300844.

Submission:

Labcorp Genetics (formerly Invitae), Labcorp
Classification: Pathogenic for Coffin-Lowry syndrome; Intellectual developmental disorder, X-linked 19. Last evaluated: 2024-06-19. Review status: criteria provided, single submitter. Criteria: Invitae Variant Classification Sherloc (09022015). Collection method: clinical testing. Allele origin: germline.
Comment: This sequence change results in a frameshift in the RPS6KA3 gene (p.Val721Alafs*78). While this is not anticipated to result in nonsense mediated decay, it is expected to disrupt the last 20 amino acid(s) of the RPS6KA3 protein and extend the protein by 57 additional amino acid residues. This variant is not present in population databases (gnomAD no frequency). This variant has not been reported in the literature in individuals affected with RPS6KA3-related conditions. This variant disrupts a region of the RPS6KA3 protein in which other variant(s) (p.Arg729Trp) have been determined to be pathogenic (PMID: 10094187, 16879200). This suggests that this is a clinically significant region of the protein, and that variants that disrupt it are likely to be disease-causing. For these reasons, this variant has been classified as Pathogenic.

Literature cited by the submitters: PubMed 10094187; PubMed 16879200.

NM_004586.3(RPS6KA3):c.2162_2168del (p.Val721fs)

Gene: RPS6KA3 (ribosomal protein S6 kinase A3; minus strand). Cytogenetic location: Xp22.12.
Variant type: Deletion.
Coding change: c.2162_2168del on transcript NM_004586.3 (MANE Select); coding-DNA positions 2162 to 2168, 7 bases deleted (TAGGCCG; older notation c.2162_2168delTAGGCCG).
Protein change: p.Val721fs; shifts the reading frame from valine 721.
Molecular consequence: frameshift variant.
Genome position (GRCh38, 1-based): chrX:20,155,453-20,155,459, CGGCCTA deleted on the plus strand (TAGGCCG on the coding strand, the reverse complement: RPS6KA3 is on the minus strand); deleting any 7 consecutive bases within chrX:20,155,453-20,155,460 gives the same sequence; the c. name uses the placement nearest the transcript's 3' end. VCF-style (leftmost placement, unchanged base first): chrX-20155452-GCGGCCTA-G. GRCh37 (hg19) VCF-style: chrX-20173570-GCGGCCTA-G.
Other names: short protein forms V721fs.
Identifiers: ClinVar variation 3756871 (VCV003756871.2).